The following is an entry in ClinVar:

ClinVar aggregate classification (germline): Uncertain significance (1 of 4 stars; one submission).

Allele frequency attached by ClinVar (database versions not stated): gnomAD exomes below 0.00001 and 0.00001; ExAC 0.00001; TOPMed 0.00001; gnomAD 0.00004.
gnomAD v4.1: 24 of 1,612,846 alleles (0.0015%); highest among the groups gnomAD compares: South Asian, 0.0044%; no homozygotes.

Submission:

Labcorp Genetics (formerly Invitae), Labcorp
Classification: Uncertain significance. Last evaluated: 2025-09-14. Review status: criteria provided, single submitter. Criteria: Invitae Variant Classification Sherloc (09022015). Collection method: clinical testing. Allele origin: germline.
Comment: This sequence change replaces glutamine, which is neutral and polar, with glutamic acid, which is acidic and polar, at codon 217 of the FAR1 protein (p.Gln217Glu). The frequency data for this variant in the population databases is considered unreliable, as metrics indicate poor data quality at this position in the gnomAD database. This variant has not been reported in the literature in individuals affected with FAR1-related conditions. ClinVar contains an entry for this variant (Variation ID: 1345877). Invitae Evidence Modeling of protein sequence and biophysical properties (such as structural, functional, and spatial information, amino acid conservation, physicochemical variation, residue mobility, and thermodynamic stability) indicates that this missense variant is not expected to disrupt FAR1 protein function with a negative predictive value of 80%. In summary, the available evidence is currently insufficient to determine the role of this variant in disease. Therefore, it has been classified as a Variant of Uncertain Significance.

NM_032228.6(FAR1):c.649C>G (p.Gln217Glu)

Gene: FAR1 (fatty acyl-CoA reductase 1; plus strand). Cytogenetic location: 11p15.3.
Variant type: single nucleotide variant.
Coding change: c.649C>G on transcript NM_032228.6 (MANE Select); coding-DNA position 649, C replaced by G.
Protein change: p.Gln217Glu; replaces glutamine 217 with glutamic acid.
Molecular consequence: missense variant.
Genome position (GRCh38, 1-based): chr11:13,710,796, C>G. VCF-style: chr11-13710796-C-G. GRCh37 (hg19) VCF-style: chr11-13732343-C-G.
Other names: short protein forms Q217E.
Identifiers: ClinVar variation 1345877 (VCV001345877.8), dbSNP rs758755383, ClinGen allele CA5893358.
Genomic context (GRCh38, chr11:13,710,796, plus strand): 5'-ATAGGAGACAGACCTAATACATACATATACACAAAAGCATTGGCAGAATATGTTGTACAA[C>G]AAGAAGGAGCAAAACTAAATGTGGCAATTGTAAGGCCATCGATTGTTGGTGCCAGTTGGA-3'
Protein context (NP_115604.1, residues 207-227): TKALAEYVVQ[Gln217Glu]EGAKLNVAIV